The following is an entry in ClinVar:

ClinVar aggregate classification (germline): Likely benign. Review status: criteria provided, multiple submitters, no conflicts (2 of 4 stars). 5 submissions from 5 submitters: Likely benign (4). 1 of the submissions does not count toward it. Last evaluated 2026-06-18.

Conditions:
FGFR3-related disorder. Also called: FGFR3-related disorders.
Inborn genetic diseases. Identifiers: MedGen C0950123, MeSH D030342.

Allele frequency attached by ClinVar (database versions not stated): gnomAD 0.00001; TOPMed below 0.00001.
gnomAD v4.1: 38 of 1,613,146 alleles (0.0024%); highest among the groups gnomAD compares: Non-Finnish European, 0.0028%; no homozygotes.

Submissions (5):

Ambry Genetics
Classification: Likely benign for Inborn genetic diseases. Last evaluated: 2026-06-18. Review status: criteria provided, single submitter. Criteria: Ambry Variant Classification Scheme 2023. Collection method: clinical testing. Allele origin: germline.

Women's Health and Genetics/Laboratory Corporation of America, LabCorp
Classification: Likely benign. Last evaluated: 2025-05-19. Review status: criteria provided, single submitter. Criteria: LabCorp Variant Classification Summary - May 2015. Collection method: clinical testing. Allele origin: germline.

Labcorp Genetics (formerly Invitae), Labcorp
Classification: Likely benign. Last evaluated: 2025-04-21. Review status: criteria provided, single submitter. Criteria: Invitae Variant Classification Sherloc (09022015). Collection method: clinical testing. Allele origin: germline.

GeneDx
Classification: Likely benign. Last evaluated: 2021-04-22. Review status: criteria provided, single submitter. Criteria: GeneDx Variant Classification Process June 2021. Collection method: clinical testing. Allele origin: germline. Affected: yes.
Comment: See Variant Classification Assertion Criteria.

PreventionGenetics, part of Exact Sciences
Classification: Likely benign for FGFR3-related condition. Last evaluated: 2020-12-22. Review status: no assertion criteria provided. Collection method: clinical testing. Allele origin: germline. Not counted in ClinVar's aggregate classification.
Comment: This variant is classified as likely benign based on ACMG/AMP sequence variant interpretation guidelines (Richards et al. 2015 PMID: 25741868, with internal and published modifications).

NM_000142.5(FGFR3):c.1560G>A (p.Ser520=)

Gene: FGFR3 (fibroblast growth factor receptor 3; plus strand). Cytogenetic location: 4p16.3.
Variant type: single nucleotide variant.
Coding change: c.1560G>A on transcript NM_000142.5 (MANE Select); coding-DNA position 1560, G replaced by A.
Protein change: p.Ser520=; no amino-acid change (serine 520 retained).
Molecular consequence: synonymous variant. On other transcripts: non-coding transcript variant (1).
Genome position (GRCh38, 1-based): chr4:1,805,584, G>A. VCF-style: chr4-1805584-G-A. GRCh37 (hg19) VCF-style: chr4-1807311-G-A.
Other names: c.1566G>A, p.Ser522= (NM_001163213.2); c.1563G>A, p.Ser521= (NM_001354809.2, NM_001354810.2); c.1224G>A, p.Ser408= (NM_022965.4).
Identifiers: ClinVar variation 1678870 (VCV001678870.7), dbSNP rs776527776, ClinGen allele CA2810472.